The following is an entry in ClinVar:

NM_006516.4(SLC2A1):c.1075-3C>T

Gene: SLC2A1 (solute carrier family 2 member 1; minus strand). Cytogenetic location: 1p34.2.
Variant type: single nucleotide variant.
Coding change: c.1075-3C>T on transcript NM_006516.4 (MANE Select); 3 bases into the intron before coding-DNA position 1075, C replaced by T.
Molecular consequence: intron variant.
Genome position (GRCh38, 1-based): chr1:42,927,811, G>A on the plus strand (C>T on the coding strand, the complement: SLC2A1 is on the minus strand). VCF-style: chr1-42927811-G-A. GRCh37 (hg19) VCF-style: chr1-43393482-G-A.
Identifiers: ClinVar variation 3626577 (VCV003626577.2).

ClinVar aggregate classification (germline): Uncertain significance (1 of 4 stars; one submission).

Conditions:
GLUT1 deficiency syndrome 1, autosomal recessive. Identifiers: MedGen C3149117.

gnomAD v4.1: 3 of 1,610,658 alleles (0.00019%); highest among the groups gnomAD compares: Non-Finnish European, 0.00017%; no homozygotes.

Submission:

Labcorp Genetics (formerly Invitae), Labcorp
Classification: Uncertain significance for GLUT1 deficiency syndrome 1, autosomal recessive. Last evaluated: 2024-05-09. Review status: criteria provided, single submitter. Criteria: Invitae Variant Classification Sherloc (09022015). Collection method: clinical testing. Allele origin: germline.
Comment: This sequence change falls in intron 8 of the SLC2A1 gene. It does not directly change the encoded amino acid sequence of the SLC2A1 protein. It affects a nucleotide within the consensus splice site. This variant is not present in population databases (gnomAD no frequency). This variant has not been reported in the literature in individuals affected with SLC2A1-related conditions. Variants that disrupt the consensus splice site are a relatively common cause of aberrant splicing (PMID: 17576681, 9536098). Algorithms developed to predict the effect of sequence changes on RNA splicing suggest that this variant is not likely to affect RNA splicing. In summary, the available evidence is currently insufficient to determine the role of this variant in disease. Therefore, it has been classified as a Variant of Uncertain Significance.

Literature cited by the submitters: PubMed 17576681; PubMed 9536098.